The following is an entry in ClinVar:

ClinVar aggregate classification (germline): Uncertain significance. Review status: criteria provided, multiple submitters, no conflicts (2 of 4 stars). 2 submissions from 2 submitters: Uncertain significance (2). Last evaluated 2025-04-21.

Allele frequency attached by ClinVar (database versions not stated): ExAC 0.00001; gnomAD 0.00001; TOPMed 0.00008.

Submissions (2):

Labcorp Genetics (formerly Invitae), Labcorp
Classification: Uncertain significance. Last evaluated: 2025-04-21. Review status: criteria provided, single submitter. Criteria: Invitae Variant Classification Sherloc (09022015). Collection method: clinical testing. Allele origin: germline.
Comment: This sequence change replaces proline, which is neutral and non-polar, with threonine, which is neutral and polar, at codon 23 of the NDUFB10 protein (p.Pro23Thr). This variant is present in population databases (rs761652990, gnomAD 0.01%). This variant has not been reported in the literature in individuals affected with NDUFB10-related conditions. ClinVar contains an entry for this variant (Variation ID: 2063903). An algorithm developed to predict the effect of missense changes on protein structure and function (PolyPhen-2) suggests that this variant is likely to be disruptive. In summary, the available evidence is currently insufficient to determine the role of this variant in disease. Therefore, it has been classified as a Variant of Uncertain Significance.

Ambry Genetics
Classification: Uncertain significance. Last evaluated: 2021-07-09. Review status: criteria provided, single submitter. Criteria: Ambry Variant Classification Scheme 2023. Collection method: clinical testing. Allele origin: germline.

NM_004548.3(NDUFB10):c.67C>A (p.Pro23Thr)

Gene: NDUFB10 (NADH:ubiquinone oxidoreductase subunit B10; plus strand). Cytogenetic location: 16p13.3.
Variant type: single nucleotide variant.
Coding change: c.67C>A on transcript NM_004548.3 (MANE Select); coding-DNA position 67, C replaced by A.
Protein change: p.Pro23Thr; replaces proline 23 with threonine.
Molecular consequence: missense variant.
Genome position (GRCh38, 1-based): chr16:1,959,691, C>A. VCF-style: chr16-1959691-C-A. GRCh37 (hg19) VCF-style: chr16-2009692-C-A.
Other names: short protein forms P23T.
Identifiers: ClinVar variation 2063903 (VCV002063903.5), dbSNP rs761652990, ClinGen allele CA7823204.